The following is an entry in ClinVar:

NM_022740.5(HIPK2):c.1512G>T (p.Leu504Phe)

Gene: HIPK2 (homeodomain interacting protein kinase 2; minus strand). Cytogenetic location: 7q34.
Variant type: single nucleotide variant.
Coding change: c.1512G>T on transcript NM_022740.5 (MANE Select); coding-DNA position 1512, G replaced by T.
Protein change: p.Leu504Phe; replaces leucine 504 with phenylalanine.
Molecular consequence: missense variant.
Genome position (GRCh38, 1-based): chr7:139,626,708, C>A on the plus strand (G>T on the coding strand, the complement: HIPK2 is on the minus strand). VCF-style: chr7-139626708-C-A. GRCh37 (hg19) VCF-style: chr7-139311454-C-A.
Other names: c.1512G>T, p.Leu504Phe (NM_001113239.3); short protein forms L504F.
Identifiers: ClinVar variation 3105938 (VCV003105938.1), dbSNP rs2485914802, ClinGen allele CA369519660.
Genomic context (GRCh38, chr7:139,626,708, plus strand): 5'-ATGGTTCAGGGTTTCGATTGGAGTGATTCTCTTGTCAGCATCAATGGTCAGCATCTTCTT[C>A]AACAGGTCAATGAACTCCCGCCGGTCAGCCTTTTCTACCAACATGTCGCTCCCTTCCAAA-3'
Protein context (NP_073577.3, residues 494-514): KADRREFIDL[Leu504Phe]KKMLTIDADK

ClinVar aggregate classification (germline): Uncertain significance (1 of 4 stars; one submission).

Submission:

Ambry Genetics
Classification: Uncertain significance. Last evaluated: 2024-01-02. Review status: criteria provided, single submitter. Criteria: Ambry Variant Classification Scheme 2023. Collection method: clinical testing. Allele origin: germline.
Comment: The c.1512G>T (p.L504F) alteration is located in exon (coding exon ) of the HIPK2 gene. This alteration results from a G to T substitution at nucleotide position 1512, causing the leucine (L) at amino acid position 504 to be replaced by a phenylalanine (F). Based on insufficient or conflicting evidence, the clinical significance of this alteration remains unclear.